The following is an entry in ClinVar:

NM_004836.7(EIF2AK3):c.1097A>T (p.Asp366Val)

Gene: EIF2AK3 (eukaryotic translation initiation factor 2 alpha kinase 3; minus strand). Cytogenetic location: 2p11.2.
Variant type: single nucleotide variant.
Coding change: c.1097A>T on transcript NM_004836.7 (MANE Select); coding-DNA position 1097, A replaced by T.
Protein change: p.Asp366Val; replaces aspartic acid 366 with valine.
Molecular consequence: missense variant.
Genome position (GRCh38, 1-based): chr2:88,590,511, T>A on the plus strand (A>T on the coding strand, the complement: EIF2AK3 is on the minus strand). VCF-style: chr2-88590511-T-A. GRCh37 (hg19) VCF-style: chr2-88890029-T-A.
Other names: c.644A>T, p.Asp215Val (NM_001313915.2); short protein forms D215V, D366V.
Identifiers: ClinVar variation 1474989 (VCV001474989.8), dbSNP rs1417492130, ClinGen allele CA347595495.
Genomic context (GRCh38, chr2:88,590,511, plus strand): 5'-ACACTGTTTTCTGTGGCTCCTCTGGCAGCTTCTACAATGTCTTCTTCATCTTCTAAAACA[T>A]CATCATTAGATGTATAACTTGTATCATCAAAAAGACTGATGGGAATGACTTTCCCATCCT-3'
Protein context (NP_004827.4, residues 356-376): FDDTSYTSND[Asp366Val]VLEDEEDIVE

ClinVar aggregate classification (germline): Uncertain significance (1 of 4 stars; one submission).

Allele frequency attached by ClinVar (database versions not stated): TOPMed below 0.00001; gnomAD 0.00001.
gnomAD v4.1: 1 of 1,613,720 alleles (0.000062%); highest among the groups gnomAD compares: Non-Finnish European, 0.000085%; no homozygotes.

Submission:

Labcorp Genetics (formerly Invitae), Labcorp
Classification: Uncertain significance. Last evaluated: 2021-01-04. Review status: criteria provided, single submitter. Criteria: Invitae Variant Classification Sherloc (09022015). Collection method: clinical testing. Allele origin: germline.
Comment: In summary, the available evidence is currently insufficient to determine the role of this variant in disease. Therefore, it has been classified as a Variant of Uncertain Significance. Algorithms developed to predict the effect of missense changes on protein structure and function are either unavailable or do not agree on the potential impact of this missense change (SIFT: "Deleterious"; PolyPhen-2: "Benign"; Align-GVGD: "Class C0"). This variant has not been reported in the literature in individuals with EIF2AK3-related conditions. This variant is not present in population databases (ExAC no frequency). This sequence change replaces aspartic acid with valine at codon 366 of the EIF2AK3 protein (p.Asp366Val). The aspartic acid residue is weakly conserved and there is a large physicochemical difference between aspartic acid and valine.